The following is an entry in ClinVar:

ClinVar aggregate classification (germline): Uncertain significance (1 of 4 stars; one submission).

Conditions:
Autosomal dominant childhood-onset proximal spinal muscular atrophy with contractures (SMALED2A). Also called: Spinal muscular atrophy, lower extremity-predominant, 2A, autosomal dominant; SPINAL MUSCULAR ATROPHY, LOWER EXTREMITY-PREDOMINANT, 2A, CHILDHOOD ONSET, AUTOSOMAL DOMINANT. Identifiers: Orphanet 363447, Orphanet 363454, MedGen C4747715, MONDO:0014121, OMIM 615290.

Submission:

Labcorp Genetics (formerly Invitae), Labcorp
Classification: Uncertain significance for Autosomal dominant childhood-onset proximal spinal muscular atrophy with contractures. Last evaluated: 2021-07-22. Review status: criteria provided, single submitter. Criteria: Invitae Variant Classification Sherloc (09022015). Collection method: clinical testing. Allele origin: germline.
Comment: This sequence change replaces glutamic acid with aspartic acid at codon 9 of the BICD2 protein (p.Glu9Asp). The glutamic acid residue is moderately conserved and there is a small physicochemical difference between glutamic acid and aspartic acid. In summary, the available evidence is currently insufficient to determine the role of this variant in disease. Therefore, it has been classified as a Variant of Uncertain Significance. Advanced modeling of protein sequence and biophysical properties (such as structural, functional, and spatial information, amino acid conservation, physicochemical variation, residue mobility, and thermodynamic stability) performed at Invitae indicates that this missense variant is not expected to disrupt BICD2 protein function. This variant has not been reported in the literature in individuals affected with BICD2-related conditions. This variant is not present in population databases (ExAC no frequency).

NM_001003800.2(BICD2):c.27G>C (p.Glu9Asp)

Gene: BICD2 (BICD cargo adaptor 2; minus strand). Cytogenetic location: 9q22.31.
Variant type: single nucleotide variant.
Coding change: c.27G>C on transcript NM_001003800.2 (MANE Select); coding-DNA position 27, G replaced by C.
Protein change: p.Glu9Asp; replaces glutamic acid 9 with aspartic acid.
Molecular consequence: missense variant.
Genome position (GRCh38, 1-based): chr9:92,764,718, C>G on the plus strand (G>C on the coding strand, the complement: BICD2 is on the minus strand). VCF-style: chr9-92764718-C-G. GRCh37 (hg19) VCF-style: chr9-95527000-C-G.
Other names: c.27G>C, p.Glu9Asp (NM_015250.4); short protein forms E9D.
Identifiers: ClinVar variation 1369259 (VCV001369259.8), dbSNP rs2131542772, ClinGen allele CA374033319.
Genomic context (GRCh38, chr9:92,764,718, plus strand): 5'-CAGCCGCTTCACCTCGGCGCGCAGCCACTCCGGCTGCGCCTCCATCACCAGCCGCGCGTA[C>G]TCCTCCTCCTCCGACGGCGCCGACATGGTGGCCGAGGGCTGAGCCGGCTCCCACTGAGGC-3'
Protein context (NP_001003800.1, residues 1-19): MSAPSEEE[Glu9Asp]YARLVMEAQP